The following is an entry in ClinVar:

NM_001008388.5(CISD2):c.142C>T (p.Leu48Phe)

Genes: CISD2 (CDGSH iron sulfur domain 2; plus strand), SLC9B1 (solute carrier family 9 member B1; minus strand). Cytogenetic location: 4q24.
Variant type: single nucleotide variant.
Coding change: c.142C>T on transcript NM_001008388.5 (MANE Select); coding-DNA position 142, C replaced by T.
Protein change: p.Leu48Phe; replaces leucine 48 with phenylalanine.
Molecular consequence: missense variant. On other transcripts: synonymous variant (1), non-coding transcript variant (2).
Genome position (GRCh38, 1-based): chr4:102,885,254, C>T. VCF-style: chr4-102885254-C-T. GRCh37 (hg19) VCF-style: chr4-103806411-C-T.
Other names: c.1407G>A, p.Glu469= (NM_001100874.3); short protein forms L48F.
Identifiers: ClinVar variation 1994957 (VCV001994957.4), dbSNP rs1403611993, ClinGen allele CA357762657.

ClinVar aggregate classification (germline): Uncertain significance (1 of 4 stars; one submission).

Allele frequency attached by ClinVar (database versions not stated): gnomAD exomes 0.00001.
gnomAD v4.1: 3 of 1,614,058 alleles (0.00019%); highest among the groups gnomAD compares: Non-Finnish European, 0.00025%; no homozygotes.

Submission:

Labcorp Genetics (formerly Invitae), Labcorp
Classification: Uncertain significance. Last evaluated: 2022-05-10. Review status: criteria provided, single submitter. Criteria: Invitae Variant Classification Sherloc (09022015). Collection method: clinical testing. Allele origin: germline.
Comment: This variant is present in population databases (no rsID available, gnomAD 0.0009%). This sequence change replaces leucine, which is neutral and non-polar, with phenylalanine, which is neutral and non-polar, at codon 48 of the CISD2 protein (p.Leu48Phe). This variant has not been reported in the literature in individuals affected with CISD2-related conditions. In summary, the available evidence is currently insufficient to determine the role of this variant in disease. Therefore, it has been classified as a Variant of Uncertain Significance. Algorithms developed to predict the effect of missense changes on protein structure and function are either unavailable or do not agree on the potential impact of this missense change (SIFT: "Tolerated"; PolyPhen-2: "Probably Damaging"; Align-GVGD: "Class C0").